The following is an entry in ClinVar:

ClinVar aggregate classification (germline): Uncertain significance (1 of 4 stars; one submission).

Submission:

Dasa
Classification: Uncertain significance. Last evaluated: 2025-08-23. Review status: criteria provided, single submitter. Criteria: DASA Assertion Criteria. Collection method: clinical testing. Allele origin: germline.
Comment: NM_022575.4(VPS16):c.1932T>G (p.Ile644Met) is a missense variant that results in the substitution of isoleucine with methionine. This variant is absent from population databases. Computational prediction algorithms are consistent with a benign effect. The currently available literature and clinical evidence are not sufficient to establish a definitive association between this variant and the reported condition. Therefore, this variant is classified as a variant of uncertain significance.

NM_022575.4(VPS16):c.1932T>G (p.Ile644Met)

Genes: PTPRA (protein tyrosine phosphatase receptor type A; plus strand), VPS16 (VPS16 core subunit of CORVET and HOPS complexes; plus strand). Cytogenetic location: 20p13.
Variant type: single nucleotide variant.
Coding change: c.1932T>G on transcript NM_022575.4 (MANE Select); coding-DNA position 1932, T replaced by G.
Protein change: p.Ile644Met; replaces isoleucine 644 with methionine.
Molecular consequence: missense variant. On other transcripts: 5 prime UTR variant (1).
Genome position (GRCh38, 1-based): chr20:2,864,983, T>G. VCF-style: chr20-2864983-T-G. GRCh37 (hg19) VCF-style: chr20-2845629-T-G.
Other names: c.-371T>G (NM_002836.4); c.1500T>G, p.Ile500Met (NM_080413.3); short protein forms I500M, I644M.
Identifiers: ClinVar variation 4883725 (VCV004883725.2).